The following is an entry in ClinVar:

NM_005751.5(AKAP9):c.8585A>G (p.Gln2862Arg)

Gene: AKAP9 (A-kinase anchoring protein 9; plus strand). Cytogenetic location: 7q21.2.
Variant type: single nucleotide variant.
Coding change: c.8585A>G on transcript NM_005751.5 (MANE Select); coding-DNA position 8585, A replaced by G.
Protein change: p.Gln2862Arg; replaces glutamine 2862 with arginine.
Molecular consequence: missense variant.
Genome position (GRCh38, 1-based): chr7:92,083,594, A>G. VCF-style: chr7-92083594-A-G. GRCh37 (hg19) VCF-style: chr7-91712908-A-G.
Other names: c.3230A>G, p.Gln1077Arg (NM_001379277.1); c.8561A>G, p.Gln2854Arg (NM_147185.3); short protein forms Q2862R, Q2854R, Q1077R.
Identifiers: ClinVar variation 618523 (VCV000618523.18), dbSNP rs752618658, ClinGen allele CA4337502.

ClinVar aggregate classification (germline): Conflicting classifications of pathogenicity. Review status: criteria provided, conflicting classifications (1 of 4 stars). 3 submissions from 3 submitters: Uncertain significance (2); Likely benign (1). Last evaluated 2025-12-15.

Conditions:
Long QT syndrome (LQTS). Identifiers: MedGen C0023976, MeSH D008133, MONDO:0002442. Disease mechanism: loss of function. Inheritance: Various modes of inheritance.
Cardiovascular phenotype. Identifiers: MedGen CN230736.

Allele frequency attached by ClinVar (database versions not stated): TOPMed below 0.00001; gnomAD 0.00001; gnomAD exomes 0.00002 and 0.00005; ExAC 0.00003.
gnomAD v4.1: 15 of 1,603,348 alleles (0.00094%); highest among the groups gnomAD compares: Admixed American, 0.026%; no homozygotes.

Submissions (3):

Labcorp Genetics (formerly Invitae), Labcorp
Classification: Uncertain significance for Long QT syndrome. Last evaluated: 2025-12-15. Review status: criteria provided, single submitter. Criteria: Invitae Variant Classification Sherloc (09022015). Collection method: clinical testing. Allele origin: germline.
Comment: This sequence change replaces glutamine, which is neutral and polar, with arginine, which is basic and polar, at codon 2862 of the AKAP9 protein (p.Gln2862Arg). This variant is present in population databases (rs752618658, gnomAD 0.04%). This variant has not been reported in the literature in individuals affected with AKAP9-related conditions. ClinVar contains an entry for this variant (Variation ID: 618523). An algorithm developed to predict the effect of missense changes on protein structure and function outputs the following: PolyPhen-2: "Benign". The arginine amino acid residue is found in multiple mammalian species, which suggests that this missense change does not adversely affect protein function. In summary, the available evidence is currently insufficient to determine the role of this variant in disease. Therefore, it has been classified as a Variant of Uncertain Significance.

Ambry Genetics
Classification: Likely benign for Cardiovascular phenotype. Last evaluated: 2024-10-07. Review status: criteria provided, single submitter. Criteria: Ambry Variant Classification Scheme 2023. Collection method: clinical testing. Allele origin: germline.

ARUP Laboratories, Molecular Genetics and Genomics, ARUP Laboratories
Classification: Uncertain significance. Last evaluated: 2018-03-15. Review status: criteria provided, single submitter. Criteria: ARUP Molecular Germline Variant Investigation Process. Collection method: clinical testing. Allele origin: germline.
Comment: The AKAP9 c.8585A>G; p.Gln2862Arg variant (rs752618658), to our knowledge, is not reported in the medical literature, gene specific variation databases, nor has it been previously identified by our laboratory. This variant is listed in the genome Aggregation Database (gnomAD) with a Latino population frequency of 0.04% (identified on 12 out of 32,090 chromosomes). The glutamine at position 2862 is highly conserved, considering 11 species, and computational analyses of the effects of the p.Gln2862Arg variant on protein structure and function do not predict a deleterious effect (SIFT: tolerated, PolyPhen-2: benign). Based on the available information, the clinical significance of the p.Gln2862Arg variant cannot be determined with certainty.